The following is an entry in ClinVar:

NM_002109.6(HARS1):c.1256A>G (p.Lys419Arg)

Gene: HARS1 (histidyl-tRNA synthetase 1; minus strand). Cytogenetic location: 5q31.3.
Variant type: single nucleotide variant.
Coding change: c.1256A>G on transcript NM_002109.6 (MANE Select); coding-DNA position 1256, A replaced by G.
Protein change: p.Lys419Arg; replaces lysine 419 with arginine.
Molecular consequence: missense variant.
Genome position (GRCh38, 1-based): chr5:140,675,072, T>C on the plus strand (A>G on the coding strand, the complement: HARS1 is on the minus strand). VCF-style: chr5-140675072-T-C. GRCh37 (hg19) VCF-style: chr5-140054657-T-C.
Other names: c.1136A>G, p.Lys379Arg (NM_001258040.3); c.1196A>G, p.Lys399Arg (NM_001258041.3); c.1076A>G, p.Lys359Arg (NM_001258042.3); c.1034A>G, p.Lys345Arg (NM_001289092.2); c.914A>G, p.Lys305Arg (NM_001289093.2); c.1169A>G, p.Lys390Arg (NM_001289094.2); short protein forms K305R, K359R, K379R, K399R, K345R, K419R, K390R.
Identifiers: ClinVar variation 2694976 (VCV002694976.3), dbSNP rs777282804, ClinGen allele CA361248487.

ClinVar aggregate classification (germline): Uncertain significance (1 of 4 stars; one submission).

Conditions:
Usher syndrome type 3B. Also called: USHER SYNDROME, TYPE IIIB. Identifiers: MedGen C3281066, MONDO:0013788, OMIM 614504.

Submission:

Labcorp Genetics (formerly Invitae), Labcorp
Classification: Uncertain significance for Usher syndrome type 3B. Last evaluated: 2023-11-10. Review status: criteria provided, single submitter. Criteria: Invitae Variant Classification Sherloc (09022015). Collection method: clinical testing. Allele origin: germline.
Comment: This sequence change replaces lysine, which is basic and polar, with arginine, which is basic and polar, at codon 419 of the HARS protein (p.Lys419Arg). This variant is not present in population databases (gnomAD no frequency). This variant has not been reported in the literature in individuals affected with HARS-related conditions. Advanced modeling of protein sequence and biophysical properties (such as structural, functional, and spatial information, amino acid conservation, physicochemical variation, residue mobility, and thermodynamic stability) performed at Invitae indicates that this missense variant is not expected to disrupt HARS protein function with a negative predictive value of 80%. In summary, the available evidence is currently insufficient to determine the role of this variant in disease. Therefore, it has been classified as a Variant of Uncertain Significance.